The following is an entry in ClinVar:

NM_024422.6(DSC2):c.296C>A (p.Ser99Tyr)

Gene: DSC2 (desmocollin 2; minus strand). Cytogenetic location: 18q12.1.
Variant type: single nucleotide variant.
Coding change: c.296C>A on transcript NM_024422.6 (MANE Select); coding-DNA position 296, C replaced by A.
Protein change: p.Ser99Tyr; replaces serine 99 with tyrosine.
Molecular consequence: missense variant.
Genome position (GRCh38, 1-based): chr18:31,092,159, G>T on the plus strand (C>A on the coding strand, the complement: DSC2 is on the minus strand). VCF-style: chr18-31092159-G-T. GRCh37 (hg19) VCF-style: chr18-28672122-G-T.
Other names: c.-134C>A (NM_001406506.1, NM_001406507.1); c.296C>A, p.Ser99Tyr (NM_004949.5); short protein forms S99Y.
Identifiers: ClinVar variation 1798259 (VCV001798259.6), dbSNP rs1191093439, ClinGen allele CA402114690.
Genomic context (GRCh38, chr18:31,092,159, plus strand): 5'-ACCTTTGTTTGATGCTCCAAAAAGACAAATATTTTCTTCTTTTCTTGGTTCTCAGTGTTG[G>T]AAAGTAATATGGTAAAACTTCTCTTCTCCGAGGACAATAGAATAGTATTTGTTGTATAGA-3'
Protein context (NP_077740.1, residues 89-109): SEKRSFTILL[Ser99Tyr]NTENQEKKKI

ClinVar aggregate classification (germline): Conflicting classifications of pathogenicity. Review status: criteria provided, conflicting classifications (1 of 4 stars). 2 submissions from 2 submitters: Uncertain significance (1); Likely benign (1). Last evaluated 2026-01-18.

Conditions:
Cardiovascular phenotype. Identifiers: MedGen CN230736.
Arrhythmogenic right ventricular dysplasia 11. Also called: Arrhythmogenic Right Ventricular Dysplasia/Cardiomyopathy11; ARRHYTHMOGENIC RIGHT VENTRICULAR DYSPLASIA, FAMILIAL, 11; Arrhythmogenic right ventricular dysplasia 11 with mild palmoplantar keratoderma and woolly hair. Identifiers: MedGen C1864850, MONDO:0012506, OMIM 610476.

gnomAD v4.1: 4 of 1,613,282 alleles (0.00025%); highest among the groups gnomAD compares: African/African-American, 0.0027%; no homozygotes.

Submissions (2):

Labcorp Genetics (formerly Invitae), Labcorp
Classification: Uncertain significance for Arrhythmogenic right ventricular dysplasia 11. Last evaluated: 2026-01-18. Review status: criteria provided, single submitter. Criteria: Invitae Variant Classification Sherloc (09022015). Collection method: clinical testing. Allele origin: germline.
Comment: This sequence change replaces serine, which is neutral and polar, with tyrosine, which is neutral and polar, at codon 99 of the DSC2 protein (p.Ser99Tyr). This variant is present in population databases (no rsID available, gnomAD 0.01%). This variant has not been reported in the literature in individuals affected with DSC2-related conditions. ClinVar contains an entry for this variant (Variation ID: 1798259). Invitae Evidence Modeling of protein sequence and biophysical properties (such as structural, functional, and spatial information, amino acid conservation, physicochemical variation, residue mobility, and thermodynamic stability) indicates that this missense variant is not expected to disrupt DSC2 protein function with a negative predictive value of 80%. In summary, the available evidence is currently insufficient to determine the role of this variant in disease. Therefore, it has been classified as a Variant of Uncertain Significance.

Ambry Genetics
Classification: Likely benign for Cardiovascular phenotype. Last evaluated: 2025-11-26. Review status: criteria provided, single submitter. Criteria: Ambry Variant Classification Scheme 2023. Collection method: clinical testing. Allele origin: germline.